The following is an entry in ClinVar:

ClinVar aggregate classification (germline): Uncertain significance. Review status: criteria provided, multiple submitters, no conflicts (2 of 4 stars). 2 submissions from 2 submitters: Uncertain significance (2). Last evaluated 2024-12-09.

Conditions:
Mosaic variegated aneuploidy syndrome 2 (MVA2). Identifiers: Orphanet 1052, MedGen C3279843, MONDO:0013582, OMIM 614114.
Inborn genetic diseases. Identifiers: MedGen C0950123, MeSH D030342.

Submissions (2):

Ambry Genetics
Classification: Uncertain significance for Inborn genetic diseases. Last evaluated: 2024-12-09. Review status: criteria provided, single submitter. Criteria: Ambry Variant Classification Scheme 2023. Collection method: clinical testing. Allele origin: germline.
Comment: The p.N274S variant (also known as c.821A>G), located in coding exon 8 of the CEP57 gene, results from an A to G substitution at nucleotide position 821. The asparagine at codon 274 is replaced by serine, an amino acid with highly similar properties. This amino acid position is conserved. In addition, this alteration is predicted to be tolerated by in silico analysis. Based on the available evidence, the clinical significance of this variant remains unclear.

Labcorp Genetics (formerly Invitae), Labcorp
Classification: Uncertain significance for Mosaic variegated aneuploidy syndrome 2. Last evaluated: 2022-12-30. Review status: criteria provided, single submitter. Criteria: Invitae Variant Classification Sherloc (09022015). Collection method: clinical testing. Allele origin: germline.
Comment: In summary, the available evidence is currently insufficient to determine the role of this variant in disease. Therefore, it has been classified as a Variant of Uncertain Significance. Advanced modeling of protein sequence and biophysical properties (such as structural, functional, and spatial information, amino acid conservation, physicochemical variation, residue mobility, and thermodynamic stability) performed at Invitae indicates that this missense variant is not expected to disrupt CEP57 protein function. ClinVar contains an entry for this variant (Variation ID: 1399787). This variant has not been reported in the literature in individuals affected with CEP57-related conditions. This variant is not present in population databases (gnomAD no frequency). This sequence change replaces asparagine, which is neutral and polar, with serine, which is neutral and polar, at codon 274 of the CEP57 protein (p.Asn274Ser).

NM_014679.5(CEP57):c.821A>G (p.Asn274Ser)

Gene: CEP57 (centrosomal protein 57; plus strand). Cytogenetic location: 11q21.
Variant type: single nucleotide variant.
Coding change: c.821A>G on transcript NM_014679.5 (MANE Select); coding-DNA position 821, A replaced by G.
Protein change: p.Asn274Ser; replaces asparagine 274 with serine.
Molecular consequence: missense variant. On other transcripts: intron variant (1).
Genome position (GRCh38, 1-based): chr11:95,822,512, A>G. VCF-style: chr11-95822512-A-G. GRCh37 (hg19) VCF-style: chr11-95555676-A-G.
Other names: c.821A>G (NM_014679.4); c.794A>G, p.Asn265Ser (NM_001243776.2); c.740A>G, p.Asn247Ser (NM_001363604.2); c.807+534A>G (NM_001243777.2); short protein forms N265S, N274S, N247S.
Identifiers: ClinVar variation 1399787 (VCV001399787.9), dbSNP rs2135354357, ClinGen allele CA382405600.
Genomic context (GRCh38, chr11:95,822,512, plus strand): 5'-TTATCATGTGAATAAAATAAAATTGTTTTCCTTTTCTTTTCATTCAGAAAAGTTCTAGGA[A>G]CTATTTTGGTGCACAACCACATTATAGATTATGCTTGGGTGATATGCCATTTGTAGCTGG-3'
Protein context (NP_055494.2, residues 264-284): SKPPEKKSSR[Asn274Ser]YFGAQPHYRL